The following is an entry in ClinVar:

NM_021954.4(GJA3):c.466A>C (p.Lys156Gln)

Gene: GJA3 (gap junction protein alpha 3; minus strand). Cytogenetic location: 13q12.11.
Variant type: single nucleotide variant.
Coding change: c.466A>C on transcript NM_021954.4 (MANE Select); coding-DNA position 466, A replaced by C.
Protein change: p.Lys156Gln; replaces lysine 156 with glutamine.
Molecular consequence: missense variant.
Genome position (GRCh38, 1-based): chr13:20,142,823, T>G on the plus strand (A>C on the coding strand, the complement: GJA3 is on the minus strand). VCF-style: chr13-20142823-T-G. GRCh37 (hg19) VCF-style: chr13-20716962-T-G.
Other names: short protein forms K156Q.
Identifiers: ClinVar variation 252945 (VCV000252945.2), dbSNP rs1114167308, ClinGen allele CA16609293.

ClinVar aggregate classification (germline): Uncertain significance. Review status: criteria provided, single submitter (1 of 4 stars). 2 submissions from 2 submitters: Uncertain significance (1). 1 of the submissions does not count toward it. Last evaluated 2023-01-21.

Conditions:
Cataract 14 multiple types. Also called: CATARACT 14, ZONULAR PULVERULENT; CATARACT 14, NUCLEAR PULVERULENT; CATARACT 14, NUCLEAR PULVERULENT AND POSTERIOR POLAR; CATARACT 14, NUCLEAR CORALLIFORM; CATARACT 14, EMBRYONAL NUCLEAR; CATARACT 14, COPPOCK-LIKE. Identifiers: Orphanet 91492, MedGen C1866078, MONDO:0011162, OMIM 601885.
Developmental cataract. Also called: Bilateral cataracts; Congenital cataract; Congenital cataracts. Identifiers: MedGen C0009691, HP:0000519.

Allele frequency attached by ClinVar (database versions not stated): gnomAD exomes below 0.00001.

Submissions (2):

Dept. Genetics and Cancer, Menzies Institute for Medical Research, University of Tasmania
Classification: Uncertain significance for Cataract 14 multiple types. Last evaluated: 2023-01-21. Review status: criteria provided, single submitter. Criteria: ACMG Guidelines, 2015. Collection method: curation. Allele origin: germline. Affected: yes.
Comment: Variant identified and curated during a GJA3 specific review of the literature in relation to pediatric or congenital cataract. ACMG-AMP criteria applied: PM2(Supporting), PP3. Original variant report: PMID:28839118. The cataract phenotype reported for this variant is: Nuclear/lamellar. Gene review and curation guidelines are outlined in: DOI 10.1080/17469899.2023.2160320

Department of Ophthalmology, Flinders University
Classification: Pathogenic for Developmental cataract. Last evaluated: 2016-07-29. Review status: no assertion criteria provided. Collection method: clinical testing. Allele origin: inherited. Affected: yes. Not counted in ClinVar's aggregate classification.

Literature cited by the submitters: PubMed 28839118 (cited by Dept. Genetics and Cancer, Menzies Institute for Medical Research, University of Tasmania).